The following is an entry in ClinVar:

NM_000540.3(RYR1):c.6189C>T (p.Leu2063=)

Gene: RYR1 (ryanodine receptor 1; plus strand). Cytogenetic location: 19q13.2.
Variant type: single nucleotide variant.
Coding change: c.6189C>T on transcript NM_000540.3 (MANE Select); coding-DNA position 6189, C replaced by T.
Protein change: p.Leu2063=; no amino-acid change (leucine 2063 retained).
Molecular consequence: synonymous variant.
Genome position (GRCh38, 1-based): chr19:38,492,551, C>T. VCF-style: chr19-38492551-C-T. GRCh37 (hg19) VCF-style: chr19-38983191-C-T.
Other names: c.6189C>T, p.Leu2063= (NM_001042723.2).
Identifiers: ClinVar variation 3046915 (VCV003046915.3), dbSNP rs964344228, ClinGen allele CA308100609.
Genomic context (GRCh38, chr19:38,492,551, plus strand): 5'-AATTCAGCTAGATGGAGAGGAGGAGGAACCAGAGGAAGAGACCACCCTGGGCAGCCGCCT[C>T]ATGAGCCTGTTGGAGAAAGTGCGGCTGGTGAAGAAGAAGGAAGAGAAACCTGAGGAGGAG-3'
Protein context (NP_000531.2, residues 2053-2073): PEEETTLGSR[Leu2063=]MSLLEKVRLV

ClinVar aggregate classification (germline): Likely benign. Review status: criteria provided, single submitter (1 of 4 stars). 2 submissions from 2 submitters: Likely benign (1). 1 of the submissions does not count toward it. Last evaluated 2023-05-16.

Conditions:
Malignant hyperthermia, susceptibility to, 1 (MHS1). Also called: Anesthesia related hyperthermia; Malignant hyperpyrexia; Fulminating hyperpyrexia; Pharmacogenic myopathy; RYR1-Related Malignant Hyperthermia Susceptibility; Malignant hyperthermia suceptibility 1. Identifiers: Orphanet 423, MedGen C2930980, MONDO:0007783, OMIM 145600.
RYR1-related disorder. Also called: RYR1-related disorders; RYR1-related condition. Identifiers: MedGen CN239331.

Allele frequency attached by ClinVar (database versions not stated): gnomAD exomes 0.00001.
gnomAD v4.1: 7 of 1,613,824 alleles (0.00043%); highest among the groups gnomAD compares: South Asian, 0.0033%; no homozygotes.

Submissions (2):

All of Us Research Program, National Institutes of Health
Classification: Likely benign for Malignant hyperthermia, susceptibility to, 1. Last evaluated: 2023-05-16. Review status: criteria provided, single submitter. Criteria: ACMG Guidelines, 2015. Collection method: clinical testing. Allele origin: germline. Inheritance: Autosomal dominant inheritance. Observed: 1 variant allele, 1 heterozygote.
Comment: This study involves interpretation of variants in research participants for the purpose of population health screening. Participant phenotype was not available at the time of variant classification. Additional details can be found in publication PMID: 35346344, PMCID: PMC8962531

PreventionGenetics, part of Exact Sciences
Classification: Likely benign for RYR1-related condition. Last evaluated: 2023-01-05. Review status: no assertion criteria provided. Collection method: clinical testing. Allele origin: germline. Not counted in ClinVar's aggregate classification.
Comment: This variant is classified as likely benign based on ACMG/AMP sequence variant interpretation guidelines (Richards et al. 2015 PMID: 25741868, with internal and published modifications).